The following is an entry in ClinVar:

NM_004656.4(BAP1):c.1250G>A (p.Arg417Lys)

Gene: BAP1 (BRCA1 associated deubiquitinase 1; minus strand). Cytogenetic location: 3p21.1.
Variant type: single nucleotide variant.
Coding change: c.1250G>A on transcript NM_004656.4 (MANE Select); coding-DNA position 1250, G replaced by A.
Protein change: p.Arg417Lys; replaces arginine 417 with lysine.
Molecular consequence: missense variant.
Genome position (GRCh38, 1-based): chr3:52,404,453, C>T on the plus strand (G>A on the coding strand, the complement: BAP1 is on the minus strand). VCF-style: chr3-52404453-C-T. GRCh37 (hg19) VCF-style: chr3-52438469-C-T.
Other names: c.1196G>A, p.Arg399Lys (NM_001410772.1); short protein forms R399K, R417K.
Identifiers: ClinVar variation 2787644 (VCV002787644.3), dbSNP rs2471332353, ClinGen allele CA353102701.

ClinVar aggregate classification (germline): Uncertain significance (1 of 4 stars; one submission).

Conditions:
BAP1-related tumor predisposition syndrome (TPDS1). Also called: COMMON Syndrome; TUMOR PREDISPOSITION SYNDROME 1; Tumor susceptibility linked to germline BAP1 mutations; BAP1 tumor predisposition syndrome. Identifiers: Orphanet 289539, MedGen C3280492, MONDO:0013692, OMIM 614327.

Allele frequency attached by ClinVar (database versions not stated): gnomAD exomes below 0.00001.

Submission:

Labcorp Genetics (formerly Invitae), Labcorp
Classification: Uncertain significance for BAP1-related tumor predisposition syndrome. Last evaluated: 2025-11-05. Review status: criteria provided, single submitter. Criteria: Invitae Variant Classification Sherloc (09022015). Collection method: clinical testing. Allele origin: germline.
Comment: This sequence change affects codon 417 of the BAP1 mRNA. It is a 'silent' change, meaning that it does not change the encoded amino acid sequence of the BAP1 protein. This variant also falls at the last nucleotide of exon 12, which is part of the consensus splice site for this exon. This variant is not present in population databases (gnomAD no frequency). This variant has not been reported in the literature in individuals affected with BAP1-related conditions. ClinVar contains an entry for this variant (Variation ID: 2787644). An algorithm developed to predict the effect of missense changes on protein structure and function (PolyPhen-2) suggests that this variant is likely to be tolerated. Variants that disrupt the consensus splice site are a relatively common cause of aberrant splicing (PMID: 17576681, 9536098). Studies have shown that this variant is associated with altered splicing resulting in multiple RNA products (internal data). In summary, the available evidence is currently insufficient to determine the role of this variant in disease. Therefore, it has been classified as a Variant of Uncertain Significance.

Literature cited by the submitters: PubMed 17576681; PubMed 9536098.